The following is an entry in ClinVar:

ClinVar aggregate classification (germline): Uncertain significance (1 of 4 stars; one submission).

Submission:

CeGaT Center for Human Genetics Tuebingen
Classification: Uncertain significance. Last evaluated: 2025-04-01. Review status: criteria provided, single submitter. Criteria: CeGaT Center For Human Genetics Tuebingen Variant Classification Criteria Version 2. Collection method: clinical testing. Allele origin: germline. Affected: yes. Observed: 1 variant allele.
Comment: ARSL: PM2

NM_000047.3(ARSL):c.1349A>T (p.His450Leu)

Gene: ARSL (arylsulfatase L; minus strand). Cytogenetic location: Xp22.33.
Variant type: single nucleotide variant.
Coding change: c.1349A>T on transcript NM_000047.3 (MANE Select); coding-DNA position 1349, A replaced by T.
Protein change: p.His450Leu; replaces histidine 450 with leucine.
Molecular consequence: missense variant.
Genome position (GRCh38, 1-based): chrX:2,936,804, T>A on the plus strand (A>T on the coding strand, the complement: ARSL is on the minus strand). VCF-style: chrX-2936804-T-A. GRCh37 (hg19) VCF-style: chrX-2854845-T-A.
Other names: c.1424A>T, p.His475Leu (NM_001282628.2, NM_001369080.1); c.1187A>T, p.His396Leu (NM_001282631.2); c.1376A>T, p.His459Leu (NM_001369079.1); short protein forms H396L, H450L, H459L, H475L.
Identifiers: ClinVar variation 3905775 (VCV003905775.10).
Genomic context (GRCh38, chrX:2,936,804, plus strand): 5'-TCCCGTTGATGCCACCTGGCTGCGTGCAGAAACCTCTCACAATAATGCATCAGGAACTCG[T>A]GGTCTGAGTGTTGGGCTGTCCCCAGGAGCAAGGGCAGAAGGTCTTGGCCGTCAATCACTC-3'
Protein context (NP_000038.2, residues 440-460): LLLGTAQHSD[His450Leu]EFLMHYCERF